The following is an entry in ClinVar:

NM_152468.5(TMC8):c.1952C>T (p.Pro651Leu)

Gene: TMC8 (transmembrane channel like 8; plus strand). Cytogenetic location: 17q25.3.
Variant type: single nucleotide variant.
Coding change: c.1952C>T on transcript NM_152468.5 (MANE Select); coding-DNA position 1952, C replaced by T.
Protein change: p.Pro651Leu; replaces proline 651 with leucine.
Molecular consequence: missense variant.
Genome position (GRCh38, 1-based): chr17:78,140,883, C>T. VCF-style: chr17-78140883-C-T. GRCh37 (hg19) VCF-style: chr17-76136964-C-T.
Other names: short protein forms P651L.
Identifiers: ClinVar variation 2106420 (VCV002106420.4), dbSNP rs2510833019, ClinGen allele CA401254142.

ClinVar aggregate classification (germline): Uncertain significance (1 of 4 stars; one submission).

Conditions:
Epidermodysplasia verruciformis. Identifiers: Orphanet 302, MedGen C0014522, MONDO:0009176.

Allele frequency attached by ClinVar (database versions not stated): gnomAD exomes below 0.00001.
gnomAD v4.1: 1 of 1,609,834 alleles (0.000062%); highest among the groups gnomAD compares: Non-Finnish European, 0.000085%; no homozygotes.

Submission:

Labcorp Genetics (formerly Invitae), Labcorp
Classification: Uncertain significance for Epidermodysplasia verruciformis. Last evaluated: 2024-02-17. Review status: criteria provided, single submitter. Criteria: Invitae Variant Classification Sherloc (09022015). Collection method: clinical testing. Allele origin: germline.
Comment: This sequence change replaces proline, which is neutral and non-polar, with leucine, which is neutral and non-polar, at codon 651 of the TMC8 protein (p.Pro651Leu). This variant is not present in population databases (gnomAD no frequency). This variant has not been reported in the literature in individuals affected with TMC8-related conditions. ClinVar contains an entry for this variant (Variation ID: 2106420). Advanced modeling of protein sequence and biophysical properties (such as structural, functional, and spatial information, amino acid conservation, physicochemical variation, residue mobility, and thermodynamic stability) performed at Invitae indicates that this missense variant is not expected to disrupt TMC8 protein function with a negative predictive value of 80%. In summary, the available evidence is currently insufficient to determine the role of this variant in disease. Therefore, it has been classified as a Variant of Uncertain Significance.